The following is an entry in ClinVar:

ClinVar aggregate classification (germline): Uncertain significance. Review status: criteria provided, multiple submitters, no conflicts (2 of 4 stars). 2 submissions from 2 submitters: Uncertain significance (2). Last evaluated 2026-08-02.

Conditions:
Hereditary cancer-predisposing syndrome. Also called: Hereditary Cancer Syndrome; Neoplastic Syndromes, Hereditary; Hereditary neoplastic syndrome; Tumor predisposition. Identifiers: Orphanet 140162, MedGen C0027672, MeSH D009386, MONDO:0015356.
Familial adenomatous polyposis 1 (FAP1). Also called: FAMILIAL ADENOMATOUS POLYPOSIS 1, ATTENUATED; POLYPOSIS, ADENOMATOUS INTESTINAL. Identifiers: MedGen C2713442, MONDO:0021056, OMIM 175100. Disease mechanism: loss of function.

Submissions (2):

Ambry Genetics
Classification: Uncertain significance for Hereditary cancer-predisposing syndrome. Last evaluated: 2026-08-02. Review status: criteria provided, single submitter. Criteria: Ambry Variant Classification Scheme 2023. Collection method: clinical testing. Allele origin: germline.
Comment: The p.T2629S variant (also known as c.7886C>G), located in coding exon 15 of the APC gene, results from a C to G substitution at nucleotide position 7886. The threonine at codon 2629 is replaced by serine, an amino acid with similar properties. This amino acid position is conserved. In addition, in silico predictors for this gene do not accurately predict pathogenicity. Based on the available evidence, the clinical significance of this variant remains unclear.

Labcorp Genetics (formerly Invitae), Labcorp
Classification: Uncertain significance for Familial adenomatous polyposis 1. Last evaluated: 2021-06-12. Review status: criteria provided, single submitter. Criteria: Invitae Variant Classification Sherloc (09022015). Collection method: clinical testing. Allele origin: germline.
Comment: This sequence change replaces threonine with serine at codon 2629 of the APC protein (p.Thr2629Ser). The threonine residue is moderately conserved and there is a small physicochemical difference between threonine and serine. This variant is not present in population databases (ExAC no frequency). This variant has not been reported in the literature in individuals with APC-related conditions. Algorithms developed to predict the effect of missense changes on protein structure and function output the following: SIFT: "Tolerated"; PolyPhen-2: "Benign"; Align-GVGD: "Class C0". The serine amino acid residue is found in multiple mammalian species, suggesting that this missense change does not adversely affect protein function. These predictions have not been confirmed by published functional studies and their clinical significance is uncertain. In summary, the available evidence is currently insufficient to determine the role of this variant in disease. Therefore, it has been classified as a Variant of Uncertain Significance.

NM_000038.6(APC):c.7886C>G (p.Thr2629Ser)

Gene: APC (APC regulator of Wnt signaling pathway; plus strand). Cytogenetic location: 5q22.2.
Variant type: single nucleotide variant.
Coding change: c.7886C>G on transcript NM_000038.6 (MANE Select); coding-DNA position 7886, C replaced by G.
Protein change: p.Thr2629Ser; replaces threonine 2629 with serine.
Molecular consequence: missense variant.
Genome position (GRCh38, 1-based): chr5:112,843,480, C>G. VCF-style: chr5-112843480-C-G. GRCh37 (hg19) VCF-style: chr5-112179177-C-G.
Other names: c.7886C>G, p.Thr2629Ser (NM_001127510.3, NM_001354895.2); c.7832C>G, p.Thr2611Ser (NM_001127511.3); c.7940C>G, p.Thr2647Ser (NM_001354896.2); c.7916C>G, p.Thr2639Ser (NM_001354897.2); c.7811C>G, p.Thr2604Ser (NM_001354898.2); c.7802C>G, p.Thr2601Ser (NM_001354899.2); c.7763C>G, p.Thr2588Ser (NM_001354900.2); c.7709C>G, p.Thr2570Ser (NM_001354901.2); and 6 more; short protein forms T2588S, T2601S, T2611S, T2570S, T2604S, T2469S, T2538S, T2639S.
Identifiers: ClinVar variation 1359594 (VCV001359594.9), dbSNP rs1766590499, ClinGen allele CA16038466.